The following is an entry in ClinVar:

NM_001145358.2(SIN3A):c.107C>A (p.Pro36His)

Gene: SIN3A (SIN3 transcription regulator family member A; minus strand). Cytogenetic location: 15q24.2.
Variant type: single nucleotide variant.
Coding change: c.107C>A on transcript NM_001145358.2 (MANE Select); coding-DNA position 107, C replaced by A.
Protein change: p.Pro36His; replaces proline 36 with histidine.
Molecular consequence: missense variant.
Genome position (GRCh38, 1-based): chr15:75,430,269, G>T on the plus strand (C>A on the coding strand, the complement: SIN3A is on the minus strand). VCF-style: chr15-75430269-G-T. GRCh37 (hg19) VCF-style: chr15-75722610-G-T.
Other names: c.107C>A, p.Pro36His (NM_001145357.2, NM_015477.3); short protein forms P36H.
Identifiers: ClinVar variation 2196580 (VCV002196580.4), dbSNP rs2542788450, ClinGen allele CA393461433.
Genomic context (GRCh38, chr15:75,430,269, plus strand): 5'-TACTGAATTCCCGTAGCTGACTGCATGGTCTCAGACACTGCTTCATACACAGGAGGGGCA[G>T]GGGCAAGCACCCGGTGCTGGTGAGGAAAAGCCTCTGTGCTGCCAGGGATCCGACGCTGCT-3'
Protein context (NP_001138830.1, residues 26-46): AFPHQHRVLA[Pro36His]APPVYEAVSE

ClinVar aggregate classification (germline): Uncertain significance (1 of 4 stars; one submission).

gnomAD v4.1: 1 of 1,614,136 alleles (0.000062%); no homozygotes.

Submission:

Labcorp Genetics (formerly Invitae), Labcorp
Classification: Uncertain significance. Last evaluated: 2023-10-03. Review status: criteria provided, single submitter. Criteria: Invitae Variant Classification Sherloc (09022015). Collection method: clinical testing. Allele origin: germline.
Comment: This sequence change replaces proline, which is neutral and non-polar, with histidine, which is basic and polar, at codon 36 of the SIN3A protein (p.Pro36His). This variant is not present in population databases (gnomAD no frequency). This variant has not been reported in the literature in individuals affected with SIN3A-related conditions. ClinVar contains an entry for this variant (Variation ID: 2196580). An algorithm developed to predict the effect of missense changes on protein structure and function (PolyPhen-2) suggests that this variant is likely to be disruptive. In summary, the available evidence is currently insufficient to determine the role of this variant in disease. Therefore, it has been classified as a Variant of Uncertain Significance.